The following is an entry in ClinVar:

ClinVar aggregate classification (germline): Uncertain significance. Review status: criteria provided, multiple submitters, no conflicts (2 of 4 stars). 2 submissions from 2 submitters: Uncertain significance (2). Last evaluated 2024-06-06.

Conditions:
Hereditary cancer-predisposing syndrome. Also called: Hereditary neoplastic syndrome; Tumor predisposition; Neoplastic Syndromes, Hereditary; Hereditary Cancer Syndrome. Identifiers: Orphanet 140162, MedGen C0027672, MeSH D009386, MONDO:0015356.
Peutz-Jeghers syndrome (PJS). Also called: Peutz-Jeghers polyposis; Periorificial lentiginosis syndrome; POLYPOSIS, HAMARTOMATOUS INTESTINAL; POLYPS-AND-SPOTS SYNDROME. Identifiers: Orphanet 2869, MedGen C0031269, MeSH D010580, MONDO:0008280, OMIM 175200.

Submissions (2):

Ambry Genetics
Classification: Uncertain significance for Hereditary cancer-predisposing syndrome. Last evaluated: 2024-06-06. Review status: criteria provided, single submitter. Criteria: Ambry Variant Classification Scheme 2023. Collection method: clinical testing. Allele origin: germline.
Comment: The p.D237N variant (also known as c.709G>A), located in coding exon 5 of the STK11 gene, results from a G to A substitution at nucleotide position 709. The aspartic acid at codon 237 is replaced by asparagine, an amino acid with highly similar properties. This variant has been observed in at least one individual with a personal and/or family history that is consistent with Peutz-Jeghers syndrome (Ambry internal data).This nucleotide position is highly conserved in available vertebrate species. In silico splice site analysis predicts that this alteration may result in the creation or strengthening of a novel splice donor site; however, direct evidence is insufficient at this time (Ambry internal data). Based on the available evidence, the clinical significance of this variant remains unclear.

Labcorp Genetics (formerly Invitae), Labcorp
Classification: Uncertain significance for Peutz-Jeghers syndrome. Last evaluated: 2024-03-06. Review status: criteria provided, single submitter. Criteria: Invitae Variant Classification Sherloc (09022015). Collection method: clinical testing. Allele origin: germline.
Comment: This sequence change replaces aspartic acid, which is acidic and polar, with asparagine, which is neutral and polar, at codon 237 of the STK11 protein (p.Asp237Asn). This variant is not present in population databases (gnomAD no frequency). This variant has not been reported in the literature in individuals affected with STK11-related conditions. ClinVar contains an entry for this variant (Variation ID: 1481991). Advanced modeling of protein sequence and biophysical properties (such as structural, functional, and spatial information, amino acid conservation, physicochemical variation, residue mobility, and thermodynamic stability) performed at Invitae indicates that this missense variant is expected to disrupt STK11 protein function with a positive predictive value of 95%. Algorithms developed to predict the effect of sequence changes on RNA splicing suggest that this variant may create or strengthen a splice site. In summary, the available evidence is currently insufficient to determine the role of this variant in disease. Therefore, it has been classified as a Variant of Uncertain Significance.

NM_000455.5(STK11):c.709G>A (p.Asp237Asn)

Gene: STK11 (serine/threonine kinase 11; plus strand). Cytogenetic location: 19p13.3.
Variant type: single nucleotide variant.
Coding change: c.709G>A on transcript NM_000455.5 (MANE Select); coding-DNA position 709, G replaced by A.
Protein change: p.Asp237Asn; replaces aspartic acid 237 with asparagine.
Molecular consequence: missense variant.
Genome position (GRCh38, 1-based): chr19:1,220,692, G>A. VCF-style: chr19-1220692-G-A. GRCh37 (hg19) VCF-style: chr19-1220691-G-A.
Other names: c.709G>A (NM_000455.4); short protein forms D237N.
Identifiers: ClinVar variation 1481991 (VCV001481991.9), dbSNP rs878853247, ClinGen allele CA402949899.